The following is an entry in ClinVar:

NM_001079855.2(GYG2):c.557C>T (p.Pro186Leu)

Gene: GYG2 (glycogenin 2; plus strand). Cytogenetic location: Xp22.33.
Variant type: single nucleotide variant.
Coding change: c.557C>T on transcript NM_001079855.2 (MANE Select); coding-DNA position 557, C replaced by T.
Protein change: p.Pro186Leu; replaces proline 186 with leucine.
Molecular consequence: missense variant.
Genome position (GRCh38, 1-based): chrX:2,856,567, C>T. VCF-style: chrX-2856567-C-T. GRCh37 (hg19) VCF-style: chrX-2774608-C-T.
Other names: c.557C>T, p.Pro186Leu (NM_001184702.2); c.650C>T, p.Pro217Leu (NM_001184703.2, NM_003918.3); c.92C>T, p.Pro31Leu (NM_001184704.2); short protein forms P186L, P217L, P31L.
Identifiers: ClinVar variation 4858250 (VCV004858250.1).

ClinVar aggregate classification (germline): Uncertain significance (1 of 4 stars; one submission).

Submission:

Ambry Genetics
Classification: Uncertain significance. Last evaluated: 2026-04-20. Review status: criteria provided, single submitter. Criteria: Ambry Variant Classification Scheme 2023. Collection method: clinical testing. Allele origin: germline.
Comment: The c.650C>T (p.P217L) alteration is located in exon 7 (coding exon 6) of the GYG2 gene. This alteration results from a C to T substitution at nucleotide position 650, causing the proline (P) at amino acid position 217 to be replaced by a leucine (L). Based on data from gnomAD, the T allele has an overall frequency of <0.001% (1/182164) total alleles studied. The highest observed frequency was 0.001% (1/81561) of European (non-Finnish) alleles. Based on insufficient or conflicting evidence, the clinical significance of this alteration remains unclear.